The following is an entry in ClinVar:

NM_000102.4(CYP17A1):c.973AAG[2] (p.Lys327del)

Gene: CYP17A1 (cytochrome P450 family 17 subfamily A member 1; minus strand). Cytogenetic location: 10q24.32.
Variant type: Microsatellite.
Coding change: c.973AAG[2] on transcript NM_000102.4 (MANE Select); two copies in a row of the 3-base unit AAG starting at c.973; the reference has three copies in a row; one copy, 3 bases deleted; also written c.979_981del.
Protein change: p.Lys327del; deletes lysine 327.
Genome position (GRCh38, 1-based): chr10:102,832,669-102,832,671, CTT deleted on the plus strand (AAG on the coding strand, the reverse complement: CYP17A1 is on the minus strand); deleting any 3 consecutive bases within chr10:102,832,669-102,832,678 gives the same sequence; the position shown is the placement nearest the transcript's 3' end. VCF-style (leftmost placement, unchanged base first): chr10-102832668-GCTT-G. GRCh37 (hg19) VCF-style: chr10-104592425-GCTT-G.
Other names: c.979_981delAAG (NM_000102.3, NM_000102.4); c.979_981del (NM_000102.4); short protein forms K327del.
Identifiers: ClinVar variation 2681112 (VCV002681112.3), dbSNP rs774737304, ClinGen allele CA5669424.

ClinVar aggregate classification (germline): Pathogenic/Likely pathogenic. Review status: criteria provided, multiple submitters, no conflicts (2 of 4 stars). 3 submissions from 3 submitters: Pathogenic (1); Likely pathogenic (2). Last evaluated 2025-03-10.

Conditions:
Congenital adrenal hyperplasia. Identifiers: Orphanet 418, MedGen C0001627, MONDO:0018479, HP:0008258.
Deficiency of steroid 17-alpha-monooxygenase. Also called: 17-alpha-hydroxylase/17,20-lyase deficiency; ADRENAL HYPERPLASIA V; 17-ALPHA-HYDROXYLASE DEFICIENCY; Congenital adrenal hyperplasia due to 17-alpha-hydroxylase deficiency; Congenital adrenal hyperplasia type 5. Identifiers: Orphanet 90793, MedGen C0268285, MONDO:0008730, OMIM 202110.

Submissions (3):

Natera, Inc.
Classification: Likely pathogenic for Deficiency of steroid 17-alpha-monooxygenase. Last evaluated: 2025-03-10. Review status: criteria provided, single submitter. Criteria: Natera Variant Classification Schema (03/2026). Collection method: clinical testing. Allele origin: germline.
Comment: The c.979_981delAAG variant in CYP17A1 is an in-frame deletion predicted to remove lysine at amino acid 327 while preserving the reading frame. This variant is rare in the general population with a frequency below the threshold expected for the associated phenotype(s). This variant has been observed in one or more individuals affected with the associated recessive disease, as either homozygous or compound heterozygous with a second variant (PMID: 17192295). Functional studies show that this variant may disrupt protein function (PMID: 17192295). Computational prediction algorithms indicate this variant is likely to affect gene or protein function. Given the available evidence, this variant is classified as Likely Pathogenic.

Women's Health and Genetics/Laboratory Corporation of America, LabCorp
Classification: Likely pathogenic for Congenital adrenal hyperplasia. Last evaluated: 2024-05-10. Review status: criteria provided, single submitter. Criteria: LabCorp Variant Classification Summary - May 2015. Collection method: clinical testing. Allele origin: germline.
Comment: Variant summary: CYP17A1 c.979_981delAAG (p.Lys327del) results in an in-frame deletion that is predicted to remove one amino acid from the encoded protein. The variant allele was found at a frequency of 4e-06 in 251444 control chromosomes. c.979_981delAAG has been reported in the literature as homozygous or compound heterozygous with another pathogenic variant in individuals affected with Congenital Adrenal Hyperplasia (Rosa_2007, Yao_2013). These data indicate that the variant may be associated with disease. At least one publication reports experimental evidence evaluating an impact on protein function. The most pronounced variant effect results in <10% production of 17-OH progesterone (17OHP) as a measure of 17alpha-hydroxylase activity compared to wild type (Rosa_2007). The following publications have been ascertained in the context of this evaluation (PMID: 17192295, 22954317). No submitters have cited clinical-significance assessments for this variant to ClinVar. Based on the evidence outlined above, the variant was classified as likely pathogenic.

Baylor Genetics
Classification: Pathogenic for Deficiency of steroid 17-alpha-monooxygenase. Last evaluated: 2023-02-20. Review status: criteria provided, single submitter. Criteria: ACMG Guidelines, 2015. Collection method: clinical testing. Allele origin: unknown.

Literature cited by the submitters: PubMed 17192295 (cited by Natera, Inc. and Women's Health and Genetics/Laboratory Corporation of America, LabCorp); PubMed 33864926 (cited by Women's Health and Genetics/Laboratory Corporation of America, LabCorp); PubMed 22954317 (cited by Women's Health and Genetics/Laboratory Corporation of America, LabCorp).